The following is an entry in ClinVar:

ClinVar aggregate classification (germline): Uncertain significance (0 of 4 stars; one submission).

Conditions:
Cornelia de Lange syndrome 1 (CDLS1). Also called: Brachmann de Lange syndrome; TYPUS DEGENERATIVUS AMSTELODAMENSIS; NIPBL-Related Cornelia de Lange Syndrome. Identifiers: Orphanet 199, MedGen C4551851, MONDO:0007387, OMIM 122470.

Submission:

Foundation for Research in Genetics and Endocrinology, FRIGE's Institute of Human Genetics
Classification: Uncertain significance for Cornelia de Lange syndrome 1. Last evaluated: 2018-01-12. Review status: no assertion criteria provided. Collection method: clinical testing. Allele origin: germline. Inheritance: Autosomal dominant inheritance. Affected: yes. Observed: 1 variant allele, 1 heterozygote.
Comment: The observed variant c.3856-?4239+?del is not reported in 1000 Genomes and ExAC databases. The in silico prediction of the variant is disease causing by MutationTaster2.

NM_133433.3(NIPBL):c.3856-?_4239+?del

Gene: NIPBL (NIPBL cohesin loading factor; plus strand).
Variant type: Deletion.
Coding change: c.3856-?_4239+?del on transcript NM_133433.3.
Other names: Exon 17-18 deletion.
Identifiers: ClinVar variation 545662 (VCV000545662.2).